The following is an entry in ClinVar:

NM_001035.3(RYR2):c.6685C>A (p.Leu2229Ile)

Gene: RYR2 (ryanodine receptor 2; plus strand). Cytogenetic location: 1q43.
Variant type: single nucleotide variant.
Coding change: c.6685C>A on transcript NM_001035.3 (MANE Select); coding-DNA position 6685, C replaced by A.
Protein change: p.Leu2229Ile; replaces leucine 2229 with isoleucine.
Molecular consequence: missense variant.
Genome position (GRCh38, 1-based): chr1:237,633,707, C>A. VCF-style: chr1-237633707-C-A. GRCh37 (hg19) VCF-style: chr1-237797007-C-A.
Other names: short protein forms L2229I.
Identifiers: ClinVar variation 4800083 (VCV004800083.1).

ClinVar aggregate classification (germline): Likely pathogenic (1 of 4 stars; one submission).

Conditions:
Catecholaminergic polymorphic ventricular tachycardia 1. Also called: VENTRICULAR TACHYCARDIA, STRESS-INDUCED POLYMORPHIC 1; RYR2-Related Catecholaminergic Polymorphic Ventricular Tachycardia; VENTRICULAR TACHYCARDIA, CATECHOLAMINERGIC POLYMORPHIC, 1, WITH OR WITHOUT ATRIAL DYSFUNCTION AND/OR DILATED CARDIOMYOPATHY. Identifiers: Orphanet 3286, MedGen C1631597, MONDO:0011484, OMIM 604772.

Submission:

Labcorp Genetics (formerly Invitae), Labcorp
Classification: Likely pathogenic for Catecholaminergic polymorphic ventricular tachycardia 1. Last evaluated: 2026-01-13. Review status: criteria provided, single submitter. Criteria: Invitae Variant Classification Sherloc (09022015). Collection method: clinical testing. Allele origin: germline.
Comment: This sequence change replaces leucine, which is neutral and non-polar, with isoleucine, which is neutral and non-polar, at codon 2229 of the RYR2 protein (p.Leu2229Ile). This variant is not present in population databases (gnomAD no frequency). This variant has not been reported in the literature in individuals affected with RYR2-related conditions. Invitae Evidence Modeling of protein sequence and biophysical properties (such as structural, functional, and spatial information, amino acid conservation, physicochemical variation, residue mobility, and thermodynamic stability) indicates that this missense variant is expected to disrupt RYR2 protein function with a positive predictive value of 95%. This variant disrupts the p.Leu2229 amino acid residue in RYR2. Other variant(s) that disrupt this residue have been determined to be pathogenic (internal data). This suggests that this residue is clinically significant, and that variants that disrupt this residue are likely to be disease-causing. In summary, the currently available evidence indicates that the variant is pathogenic, but additional data are needed to prove that conclusively. Therefore, this variant has been classified as Likely Pathogenic.